The following is an entry in ClinVar:

NM_024928.5(STN1):c.581+4A>G

Gene: STN1 (STN1 subunit of CST complex; minus strand). Cytogenetic location: 10q24.33.
Variant type: single nucleotide variant.
Coding change: c.581+4A>G on transcript NM_024928.5 (MANE Select); 4 bases into the intron after coding-DNA position 581, A replaced by G.
Molecular consequence: intron variant.
Genome position (GRCh38, 1-based): chr10:103,898,873, T>C on the plus strand (A>G on the coding strand, the complement: STN1 is on the minus strand). VCF-style: chr10-103898873-T-C. GRCh37 (hg19) VCF-style: chr10-105658631-T-C.
Identifiers: ClinVar variation 1498779 (VCV001498779.3), dbSNP rs965582197, ClinGen allele CA212422478.

ClinVar aggregate classification (germline): Uncertain significance (1 of 4 stars; one submission).

Allele frequency attached by ClinVar (database versions not stated): gnomAD exomes below 0.00001 and 0.00001.
gnomAD v4.1: 10 of 1,613,656 alleles (0.00062%); highest among the groups gnomAD compares: South Asian, 0.0066%; no homozygotes.

Submission:

Labcorp Genetics (formerly Invitae), Labcorp
Classification: Uncertain significance. Last evaluated: 2022-09-27. Review status: criteria provided, single submitter. Criteria: Invitae Variant Classification Sherloc (09022015). Collection method: clinical testing. Allele origin: germline.
Comment: This sequence change falls in intron 6 of the STN1 gene. It does not directly change the encoded amino acid sequence of the STN1 protein. It affects a nucleotide within the consensus splice site. This variant is present in population databases (no rsID available, gnomAD 0.003%). This variant has not been reported in the literature in individuals affected with STN1-related conditions. ClinVar contains an entry for this variant (Variation ID: 1498779). Variants that disrupt the consensus splice site are a relatively common cause of aberrant splicing (PMID: 17576681, 9536098). Algorithms developed to predict the effect of sequence changes on RNA splicing suggest that this variant is not likely to affect RNA splicing. In summary, the available evidence is currently insufficient to determine the role of this variant in disease. Therefore, it has been classified as a Variant of Uncertain Significance.

Literature cited by the submitters: PubMed 17576681; PubMed 9536098.